The following is an entry in ClinVar:

NM_000443.4(ABCB4):c.1442T>G (p.Leu481Arg)

Gene: ABCB4 (ATP binding cassette subfamily B member 4; minus strand). Cytogenetic location: 7q21.12.
Variant type: single nucleotide variant.
Coding change: c.1442T>G on transcript NM_000443.4 (MANE Select); coding-DNA position 1442, T replaced by G.
Protein change: p.Leu481Arg; replaces leucine 481 with arginine.
Molecular consequence: missense variant.
Genome position (GRCh38, 1-based): chr7:87,440,317, A>C on the plus strand (T>G on the coding strand, the complement: ABCB4 is on the minus strand). VCF-style: chr7-87440317-A-C. GRCh37 (hg19) VCF-style: chr7-87069633-A-C.
Other names: c.1442T>G, p.Leu481Arg (NM_018849.3, NM_018850.3); short protein forms L481R.
Identifiers: ClinVar variation 1723070 (VCV001723070.3), dbSNP rs2546829915, ClinGen allele CA368042095.
Genomic context (GRCh38, chr7:87,440,317, plus strand): 5'-TCATCCATGGTTACATTTCCACGGCCATAACAAATATTTTCAGCAATTGTGGTGGAAAAC[A>C]GCACCGGCTCCTGACTCACCACACCAATGATTTCCCTCAGATAGTTTACATTAAAGTTCC-3'
Protein context (NP_000434.1, residues 471-491): IIGVVSQEPV[Leu481Arg]FSTTIAENIC

ClinVar aggregate classification (germline): Uncertain significance. Review status: criteria provided, multiple submitters, no conflicts (2 of 4 stars). 2 submissions from 2 submitters: Uncertain significance (2). Last evaluated 2026-04-14.

Conditions:
Low phospholipid associated cholelithiasis (GBD1). Also called: Gallstone cholecystitis; Gallbladder disease 1. Identifiers: Orphanet 69663, MedGen C2609268, MONDO:0010939, OMIM 600803.
Familial intrahepatic cholestasis. Identifiers: Orphanet 284385, MedGen CN296401, MONDO:0017290.

Allele frequency attached by ClinVar (database versions not stated): gnomAD exomes below 0.00001.
gnomAD v4.1: 2 of 1,614,180 alleles (0.00012%); highest among the groups gnomAD compares: Non-Finnish European, 0.00017%; no homozygotes.

Submissions (2):

Genomenon, Inc
Classification: Uncertain significance for Familial intrahepatic cholestasis; Low phospholipid associated cholelithiasis. Last evaluated: 2026-04-14. Review status: criteria provided, single submitter. Criteria: Genomenon Sequence Variant Interpretation Standards - Updated. Collection method: curation. Allele origin: germline. Affected: yes.
Comment: ABCB4 p.Leu481Arg (c.1442T>G) is a missense variant that changes the amino acid at residue 481 from Leucine to Arginine. This variant has been observed in at least one proband with an ABCB4-related disorder (PMID:26678486;24045840). The variant was found to segregate with disease in at least one affected family (PMID:24045840). Functional studies have been reported (PMID:24045840). It is absent or not present at a significant frequency in gnomAD. In silico models predict that this variant is possibly or probably damaging. In conclusion, we classify ABCB4 p.Leu481Arg (c.1442T>G) as a variant of uncertain significance.

GeneDx
Classification: Uncertain significance. Last evaluated: 2022-05-01. Review status: criteria provided, single submitter. Criteria: GeneDx Variant Classification Process June 2021. Collection method: clinical testing. Allele origin: germline. Affected: yes.
Comment: Not observed at significant frequency in large population cohorts (gnomAD); In silico analysis supports that this missense variant has a deleterious effect on protein structure/function; Identified as heterozygous in a family with juvenile cholelithiasis in the published literature (Degiorgio et al., 2014); This variant is associated with the following publications: (PMID: 24045840)

Literature cited by the submitters: PubMed 26678486 (cited by Genomenon, Inc); PubMed 24045840 (cited by Genomenon, Inc).